The following is an entry in ClinVar:

NM_001033044.4(GLUL):c.195T>C (p.Ser65=)

Gene: GLUL (glutamate-ammonia ligase; minus strand). Cytogenetic location: 1q25.3.
Variant type: single nucleotide variant.
Coding change: c.195T>C on transcript NM_001033044.4 (MANE Select); coding-DNA position 195, T replaced by C.
Protein change: p.Ser65=; no amino-acid change (serine 65 retained).
Molecular consequence: synonymous variant.
Genome position (GRCh38, 1-based): chr1:182,387,264, A>G on the plus strand (T>C on the coding strand, the complement: GLUL is on the minus strand). VCF-style: chr1-182387264-A-G. GRCh37 (hg19) VCF-style: chr1-182356399-A-G.
Other names: p.Ser65=; c.195T>C, p.Ser65= (NM_001033056.4, NM_002065.7).
Identifiers: ClinVar variation 293949 (VCV000293949.18), dbSNP rs1058111, ClinGen allele CA1277224.

ClinVar aggregate classification (germline): Benign. Review status: criteria provided, multiple submitters, no conflicts (2 of 4 stars). 7 submissions from 7 submitters: Benign (7). Last evaluated 2026-02-01.

Conditions:
Congenital brain dysgenesis due to glutamine synthetase deficiency (GLND). Also called: GLUTAMINE SYNTHASE DEFICIENCY, CONGENITAL SYSTEMIC. Identifiers: Orphanet 71278, MedGen C1864910, MONDO:0012393, OMIM 610015.

Allele frequency attached by ClinVar (database versions not stated): gnomAD exomes 0.52473 and 0.57211; ExAC 0.57481; gnomAD 0.58837 and 0.59059; ESP Exome Variant Server 0.59050; TOPMed 0.60287; 1000 Genomes Project 0.67572; 1000 Genomes Project 30x 0.67895.
gnomAD v4.1: 857,477 of 1,611,116 alleles (53%); highest among the groups gnomAD compares: East Asian, 80%; 233,589 homozygotes.

Submissions (7):

Labcorp Genetics (formerly Invitae), Labcorp
Classification: Benign for Congenital brain dysgenesis due to glutamine synthetase deficiency. Last evaluated: 2026-02-01. Review status: criteria provided, single submitter. Criteria: Invitae Variant Classification Sherloc (09022015). Collection method: clinical testing. Allele origin: germline.

Mayo Clinic Laboratories, Mayo Clinic
Classification: Benign. Last evaluated: 2025-03-17. Review status: criteria provided, single submitter. Criteria: ACMG Guidelines, 2015. Collection method: clinical testing. Allele origin: germline. Observed: 498 variant alleles.

Blueprint Genetics
Classification: Benign. Last evaluated: 2024-11-26. Review status: criteria provided, single submitter. Criteria: ACMG Guidelines, 2015. Collection method: clinical testing. Allele origin: germline.

Genome-Nilou Lab
Classification: Benign for Congenital brain dysgenesis due to glutamine synthetase deficiency. Last evaluated: 2021-08-10. Review status: criteria provided, single submitter. Criteria: ACMG Guidelines, 2015. Collection method: clinical testing. Allele origin: germline. Affected: no.

GeneDx
Classification: Benign. Last evaluated: 2018-11-12. Review status: criteria provided, single submitter. Criteria: GeneDx Variant Classification Process June 2021. Collection method: clinical testing. Allele origin: germline. Affected: yes.

Illumina Laboratory Services, Illumina
Classification: Benign for Congenital brain dysgenesis due to glutamine synthetase deficiency. Last evaluated: 2018-01-13. Review status: criteria provided, single submitter. Criteria: ICSL Variant Classification Criteria 13 December 2019. Collection method: clinical testing. Allele origin: germline.
Comment: This variant was observed in the ICSL laboratory as part of a predisposition screen in an ostensibly healthy population. It had not been previously curated by ICSL or reported in the Human Gene Mutation Database (HGMD: prior to June 1st, 2018), and was therefore a candidate for classification through an automated scoring system. Utilizing variant allele frequency, disease prevalence and penetrance estimates, and inheritance mode, an automated score was calculated to assess if this variant is too frequent to cause the disease. Based on the score and internal cut-off values, a variant classified as benign is not then subjected to further curation. The score for this variant resulted in a classification of benign for this disease.

Breakthrough Genomics
Classification: Benign. Review status: criteria provided, single submitter. Criteria: ACMG Guidelines, 2015. Collection method: not provided. Allele origin: germline. Inheritance: Autosomal recessive inheritance. Affected: yes.